The following is an entry in ClinVar:

ClinVar aggregate classification (germline): Likely pathogenic (1 of 4 stars; one submission).

Conditions:
Early-infantile DEE. Also called: Early infantile epileptic encephalopathy; Early infantile epileptic encephalopathy with suppression bursts; Ohtahara syndrome. Identifiers: Orphanet 1934, MedGen C0393706, MONDO:0800491.

Submission:

Labcorp Genetics (formerly Invitae), Labcorp
Classification: Likely pathogenic for Early-infantile DEE. Last evaluated: 2021-04-08. Review status: criteria provided, single submitter. Criteria: Invitae Variant Classification Sherloc (09022015). Collection method: clinical testing. Allele origin: germline.
Comment: Algorithms developed to predict the effect of missense changes on protein structure and function are either unavailable or do not agree on the potential impact of this missense change (SIFT: "Deleterious"; PolyPhen-2: "Probably Damaging"; Align-GVGD: "Class C0"). In summary, the currently available evidence indicates that the variant is pathogenic, but additional data are needed to prove that conclusively. Therefore, this variant has been classified as Likely Pathogenic. This sequence change replaces lysine with methionine at codon 230 of the KCNQ2 protein (p.Lys230Met). The lysine residue is moderately conserved and there is a moderate physicochemical difference between lysine and methionine. This variant is not present in population databases (ExAC no frequency). This variant has been observed to be de novo in an individual affected with clinical features of early infantile epileptic encephalopathy (Invitae).

NM_172107.4(KCNQ2):c.689A>T (p.Lys230Met)

Gene: KCNQ2 (potassium voltage-gated channel subfamily Q member 2; minus strand). Cytogenetic location: 20q13.33.
Variant type: single nucleotide variant.
Coding change: c.689A>T on transcript NM_172107.4 (MANE Select); coding-DNA position 689, A replaced by T.
Protein change: p.Lys230Met; replaces lysine 230 with methionine.
Molecular consequence: missense variant.
Genome position (GRCh38, 1-based): chr20:63,444,660, T>A on the plus strand (A>T on the coding strand, the complement: KCNQ2 is on the minus strand). VCF-style: chr20-63444660-T-A. GRCh37 (hg19) VCF-style: chr20-62076013-T-A.
Other names: c.689A>T, p.Lys230Met (NM_001382235.1, NM_004518.6, NM_172106.3 and 2 more transcripts); short protein forms K230M.
Identifiers: ClinVar variation 933711 (VCV000933711.10), dbSNP rs2081358317, ClinGen allele CA409654636.